The following is an entry in ClinVar:

NM_006516.4(SLC2A1):c.1410G>A (p.Gly470=)

Gene: SLC2A1 (solute carrier family 2 member 1; minus strand). Cytogenetic location: 1p34.2.
Variant type: single nucleotide variant.
Coding change: c.1410G>A on transcript NM_006516.4 (MANE Select); coding-DNA position 1410, G replaced by A.
Protein change: p.Gly470=; no amino-acid change (glycine 470 retained).
Molecular consequence: synonymous variant.
Genome position (GRCh38, 1-based): chr1:42,927,110, C>T on the plus strand (G>A on the coding strand, the complement: SLC2A1 is on the minus strand). VCF-style: chr1-42927110-C-T. GRCh37 (hg19) VCF-style: chr1-43392781-C-T.
Identifiers: ClinVar variation 391452 (VCV000391452.1), dbSNP rs745776663, ClinGen allele CA803281.
Genomic context (GRCh38, chr1:42,927,110, plus strand): 5'-GGAATCAGCCCCCAGGGGATGGAACAGCTCCTCGGGTGTCTTGTCACTTTGGCTGGCTCC[C>T]CCCTGCCGGAAGCCGGAAGCGATCTCATCGAAGGTCCGGCCTTTAGTCTCAGGAACTTTG-3'
Protein context (NP_006507.2, residues 460-480): FDEIASGFRQ[Gly470=]GASQSDKTPE

ClinVar aggregate classification (germline): Likely benign (1 of 4 stars; one submission).

Allele frequency attached by ClinVar (database versions not stated): gnomAD exomes 0.00001; ExAC 0.00002.

Submission:

GeneDx
Classification: Likely benign. Last evaluated: 2016-11-30. Review status: criteria provided, single submitter. Criteria: GeneDx Variant Classification (06012015). Collection method: clinical testing. Allele origin: germline. Affected: yes.
Comment: This variant is considered likely benign or benign based on one or more of the following criteria: it is a conservative change, it occurs at a poorly conserved position in the protein, it is predicted to be benign by multiple in silico algorithms, and/or has population frequency not consistent with disease.